The following is an entry in ClinVar:

NM_007294.4(BRCA1):c.2285_2286del (p.Arg762fs)

Gene: BRCA1 (BRCA1 DNA repair associated; minus strand). Cytogenetic location: 17q21.31.
Variant type: Deletion.
Coding change: c.2285_2286del on transcript NM_007294.4 (MANE Select); coding-DNA positions 2285 to 2286, 2 bases deleted (GA; older notation c.2285_2286delGA).
Protein change: p.Arg762fs; shifts the reading frame from arginine 762.
Molecular consequence: frameshift variant. On other transcripts: intron variant (137).
Genome position (GRCh38, 1-based): chr17:43,093,245-43,093,246, TC deleted on the plus strand (GA on the coding strand, the reverse complement: BRCA1 is on the minus strand); deleting any 2 consecutive bases within chr17:43,093,245-43,093,247 gives the same sequence; the c. name uses the placement nearest the transcript's 3' end. VCF-style (leftmost placement, unchanged base first): chr17-43093244-ATC-A. GRCh37 (hg19) VCF-style: chr17-41245261-ATC-A.
Other names: c.2072_2073del, p.Arg691fs (NM_001407571.1, NM_001407853.1, NM_001407894.1 and 9 more transcripts); c.2285_2286del, p.Arg762fs (NM_001407581.1, NM_001407582.1, NM_001407583.1 and 30 more transcripts); c.2282_2283del, p.Arg761fs (NM_001407587.1, NM_001407590.1, NM_001407591.1 and 22 more transcripts); c.2276_2277del, p.Arg759fs (NM_001407646.1, NM_001407647.1); c.2162_2163del, p.Arg721fs (NM_001407648.1, NM_001407664.1, NM_001407665.1 and 19 more transcripts); c.2159_2160del, p.Arg720fs (NM_001407649.1, NM_001407670.1, NM_001407671.1 and 11 more transcripts); c.2207_2208del, p.Arg736fs (NM_001407653.1, NM_001407654.1, NM_001407655.1 and 4 more transcripts); c.2204_2205del, p.Arg735fs (NM_001407659.1, NM_001407660.1, NM_001407661.1 and 1 more transcripts); and 41 more; short protein forms R715fs, R762fs, R651fs, R691fs, R714fs, R736fs, R635fs, R673fs.
Identifiers: ClinVar variation 1409413 (VCV001409413.7), dbSNP rs2154385474, ClinGen allele CA2499224513.

ClinVar aggregate classification (germline): Pathogenic (1 of 4 stars; one submission).

Conditions:
Hereditary breast ovarian cancer syndrome. Also called: Hereditary breast and ovarian cancer syndrome (HBOC); Breast and ovarian cancer; Hereditary breast and ovarian cancer syndrome; Hereditary breast and/or ovarian cancer syndrome; Hereditary breast and ovarian cancer; BRCA1- and BRCA2-Associated Hereditary Breast and Ovarian Cancer. Identifiers: Orphanet 145, MedGen C0677776, MeSH D061325, MONDO:0003582. Disease mechanism: loss of function.

Submission:

Labcorp Genetics (formerly Invitae), Labcorp
Classification: Pathogenic for Hereditary breast ovarian cancer syndrome. Last evaluated: 2023-03-22. Review status: criteria provided, single submitter. Criteria: Invitae Variant Classification Sherloc (09022015). Collection method: clinical testing. Allele origin: germline.
Comment: For these reasons, this variant has been classified as Pathogenic. ClinVar contains an entry for this variant (Variation ID: 1409413). This premature translational stop signal has been observed in individual(s) with breast cancer (PMID: 28477318). This variant is not present in population databases (gnomAD no frequency). This sequence change creates a premature translational stop signal (p.Arg762Ilefs*5) in the BRCA1 gene. It is expected to result in an absent or disrupted protein product. Loss-of-function variants in BRCA1 are known to be pathogenic (PMID: 20104584).

Literature cited by the submitters: PubMed 28477318; PubMed 20104584.